The following is an entry in ClinVar:

NM_000138.5(FBN1):c.5753A>G (p.His1918Arg)

Gene: FBN1 (fibrillin 1; minus strand). Cytogenetic location: 15q21.1.
Variant type: single nucleotide variant.
Coding change: c.5753A>G on transcript NM_000138.5 (MANE Select); coding-DNA position 5753, A replaced by G.
Protein change: p.His1918Arg; replaces histidine 1918 with arginine.
Molecular consequence: missense variant.
Genome position (GRCh38, 1-based): chr15:48,446,741, T>C on the plus strand (A>G on the coding strand, the complement: FBN1 is on the minus strand). VCF-style: chr15-48446741-T-C. GRCh37 (hg19) VCF-style: chr15-48738938-T-C.
Other names: short protein forms H1918R.
Identifiers: ClinVar variation 1511415 (VCV001511415.11), dbSNP rs993464239, ClinGen allele CA269533722.
Genomic context (GRCh38, chr15:48,446,741, plus strand): 5'-CTGATGCACAATTTTGCACACGCACCTATACAGTCATTGTTGTGAGAAAGGATGAAACCA[T>C]GATTGCAGCGGCAGTTGAAGGAACCAATTGTGTTCCGGCAAGTTCCATTCCCACAGGCAT-3'
Protein context (NP_000129.3, residues 1908-1928): TIGSFNCRCN[His1918Arg]GFILSHNNDC

ClinVar aggregate classification (germline): Conflicting classifications of pathogenicity. Review status: criteria provided, conflicting classifications (1 of 4 stars). 5 submissions from 5 submitters: Uncertain significance (4); Likely benign (1). Last evaluated 2025-03-19.

Conditions:
Marfan syndrome (MFS). Also called: MARFAN SYNDROME, TYPE I; Marfan syndrome type 1; Marfan's syndrome; Marfan syndrome, classic; FBN1-Related Marfan Syndrome. Identifiers: Orphanet 284963, Orphanet 558, MedGen C0024796, MONDO:0007947, OMIM 154700.
Familial thoracic aortic aneurysm and aortic dissection (TAAD). Also called: Thoracic aortic aneurysms and dissections. Identifiers: Orphanet 91387, MedGen C4707243, MONDO:0019625.
Geleophysic dysplasia 2 (GPHYSD2). Identifiers: Orphanet 2623, MedGen C3280054, MONDO:0013612, OMIM 614185.
Progeroid and marfanoid aspect-lipodystrophy syndrome. Also called: MARFANOID-PROGEROID-LIPODYSTROPHY SYNDROME; MARFANOID-PROGEROID SYNDROME; MARFAN-PROGEROID-LIPODYSTROPHY SYNDROME; Marfan lipodystrophy syndrome. Identifiers: Orphanet 300382, MedGen C4310796, MONDO:0014831, OMIM 616914.
Ectopia lentis 1, isolated, autosomal dominant (ECTOL1). Identifiers: Orphanet 1885, MedGen C3541518, MONDO:0007514, OMIM 129600.
Stiff skin syndrome (SSKS). Identifiers: Orphanet 2833, MedGen C1861456, MONDO:0008492, OMIM 184900.
MASS syndrome (OCTD). Also called: MASS PHENOTYPE; OVERLAP CONNECTIVE TISSUE DISEASE. Identifiers: MedGen C1858556, MONDO:0011431, OMIM 604308.
Acromicric dysplasia (ACMICD). Also called: Acromicric skeletal dysplasia. Identifiers: Orphanet 969, MedGen C0265287, MONDO:0007055, OMIM 102370.
Weill-Marchesani syndrome 2, dominant. Also called: Weill-Marchesani Syndrome, Autosomal Dominant; FBN1-Related Weill-Marchesani Syndrome. Identifiers: Orphanet 2084, MedGen C1869115, MONDO:0012013, OMIM 608328.

Allele frequency attached by ClinVar (database versions not stated): gnomAD exomes 0.00001; TOPMed 0.00002.
gnomAD v4.1: 14 of 1,613,184 alleles (0.00087%); highest among the groups gnomAD compares: Non-Finnish European, 0.0012%; no homozygotes.

Submissions (5):

Labcorp Genetics (formerly Invitae), Labcorp
Classification: Likely benign for Marfan syndrome; Familial thoracic aortic aneurysm and aortic dissection. Last evaluated: 2025-03-19. Review status: criteria provided, single submitter. Criteria: Invitae Variant Classification Sherloc (09022015). Collection method: clinical testing. Allele origin: germline.

Color Diagnostics, LLC DBA Color Health
Classification: Uncertain significance for Familial thoracic aortic aneurysm and aortic dissection. Last evaluated: 2024-07-18. Review status: criteria provided, single submitter. Criteria: ACMG Guidelines, 2015. Collection method: clinical testing. Allele origin: germline.
Comment: This missense variant replaces histidine with arginine at codon 1918 of the FBN1 protein. Computational prediction suggests that this variant may not impact protein structure and function. To our knowledge, functional studies have not been reported for this variant. This variant has not been reported in individuals affected with FBN1-related disorders in the literature. This variant has been identified in 3/251058 chromosomes in the general population by the Genome Aggregation Database (gnomAD). The available evidence is insufficient to determine the role of this variant in disease conclusively. Therefore, this variant is classified as a Variant of Uncertain Significance.

All of Us Research Program, National Institutes of Health
Classification: Uncertain significance for Marfan syndrome. Last evaluated: 2023-05-31. Review status: criteria provided, single submitter. Criteria: ACMG Guidelines, 2015. Collection method: clinical testing. Allele origin: germline. Inheritance: Autosomal dominant inheritance. Observed: 1 variant allele, 1 heterozygote.
Comment: This study involves interpretation of variants in research participants for the purpose of population health screening. Participant phenotype was not available at the time of variant classification. Additional details can be found in publication PMID: 35346344, PMCID: PMC8962531

Fulgent Genetics
Classification: Uncertain significance for Acromicric dysplasia; Ectopia lentis 1, isolated, autosomal dominant; Marfan syndrome; Stiff skin syndrome; MASS syndrome; Weill-Marchesani syndrome 2, dominant; Geleophysic dysplasia 2; Progeroid and marfanoid aspect-lipodystrophy syndrome. Last evaluated: 2021-10-30. Review status: criteria provided, single submitter. Criteria: ACMG Guidelines, 2015. Collection method: clinical testing. Allele origin: unknown.

Ambry Genetics
Classification: Uncertain significance for Familial thoracic aortic aneurysm and aortic dissection. Last evaluated: 2021-04-26. Review status: criteria provided, single submitter. Criteria: Ambry Variant Classification Scheme 2023. Collection method: clinical testing. Allele origin: germline.
Comment: The p.H1918R variant (also known as c.5753A>G), located in coding exon 46 of the FBN1 gene, results from an A to G substitution at nucleotide position 5753. The histidine at codon 1918 is replaced by arginine, an amino acid with highly similar properties, and is located in the cbEGF-like #28 domain. This amino acid position is not well conserved in available vertebrate species. In addition, this alteration is predicted to be tolerated by in silico analysis. Since supporting evidence is limited at this time, the clinical significance of this alteration remains unclear.